The following is an entry in ClinVar:

NM_001252024.2(TRPM1):c.4451C>T (p.Thr1484Met)

Gene: TRPM1 (transient receptor potential cation channel subfamily M member 1; minus strand). Cytogenetic location: 15q13.3.
Variant type: single nucleotide variant.
Coding change: c.4451C>T on transcript NM_001252024.2 (MANE Select); coding-DNA position 4451, C replaced by T.
Protein change: p.Thr1484Met; replaces threonine 1484 with methionine.
Molecular consequence: missense variant.
Genome position (GRCh38, 1-based): chr15:31,002,249, G>A on the plus strand (C>T on the coding strand, the complement: TRPM1 is on the minus strand). VCF-style: chr15-31002249-G-A. GRCh37 (hg19) VCF-style: chr15-31294452-G-A.
Other names: c.4502C>T, p.Thr1501Met (NM_001252020.2); c.4385C>T, p.Thr1462Met (NM_002420.6); c.4502C>T (NM_001252020.1); c.4385C>T (NM_002420.4); short protein forms T1462M, T1484M, T1501M.
Identifiers: ClinVar variation 953304 (VCV000953304.11), dbSNP rs373443346, ClinGen allele CA7451643.
Genomic context (GRCh38, chr15:31,002,249, plus strand): 5'-CTATGAGAGCGCGTGATCTTTTGAACTTGGCATTGCCATTCCGTCGTCAATTGCTGGTCC[G>A]TGATTGAACTGTACTCTACATCCTGGTTAACCCCACCGACCAGCTTTCTTCCCCGGGAAT-3'
Protein context (NP_001238953.1, residues 1474-1494): VNQDVEYSSI[Thr1484Met]DQQLTTEWQC

ClinVar aggregate classification (germline): Conflicting classifications of pathogenicity. Review status: criteria provided, conflicting classifications (1 of 4 stars). 4 submissions from 4 submitters: Uncertain significance (3); Likely benign (1). Last evaluated 2025-09-08.

Conditions:
TRPM1-related disorder. Also called: TRPM1-related condition.
Inborn genetic diseases. Identifiers: MedGen C0950123, MeSH D030342.

Allele frequency attached by ClinVar (database versions not stated): gnomAD 0.00001 and 0.00003; ExAC 0.00002; gnomAD exomes 0.00002 and 0.00004; TOPMed 0.00002.
gnomAD v4.1: 26 of 1,614,110 alleles (0.0016%); highest among the groups gnomAD compares: African/African-American, 0.0067%; no homozygotes.

Submissions (4):

PreventionGenetics, part of Exact Sciences
Classification: Uncertain significance for TRPM1-related condition. Last evaluated: 2025-09-08. Review status: criteria provided, single submitter. Criteria: ACMG Guidelines, 2015. Collection method: clinical testing. Allele origin: germline.
Comment: The TRPM1 c.4502C>T variant is predicted to result in the amino acid substitution p.Thr1501Met. To our knowledge, this variant has not been reported in the literature. This variant is reported in 0.0065% of alleles in individuals of South Asian descent in gnomAD. At this time, the clinical significance of this variant is uncertain due to the absence of conclusive functional and genetic evidence.

Blueprint Genetics
Classification: Uncertain significance. Last evaluated: 2024-07-17. Review status: criteria provided, single submitter. Criteria: ACMG Guidelines, 2015. Collection method: clinical testing. Allele origin: germline.

Labcorp Genetics (formerly Invitae), Labcorp
Classification: Uncertain significance. Last evaluated: 2023-04-05. Review status: criteria provided, single submitter. Criteria: Invitae Variant Classification Sherloc (09022015). Collection method: clinical testing. Allele origin: germline.
Comment: This variant is present in population databases (rs373443346, gnomAD 0.008%). This sequence change replaces threonine, which is neutral and polar, with methionine, which is neutral and non-polar, at codon 1462 of the TRPM1 protein (p.Thr1462Met). This variant has not been reported in the literature in individuals affected with TRPM1-related conditions. ClinVar contains an entry for this variant (Variation ID: 953304). Algorithms developed to predict the effect of missense changes on protein structure and function output the following: SIFT: "Not Available"; PolyPhen-2: "Benign"; Align-GVGD: "Not Available". The methionine amino acid residue is found in multiple mammalian species, which suggests that this missense change does not adversely affect protein function. In summary, the available evidence is currently insufficient to determine the role of this variant in disease. Therefore, it has been classified as a Variant of Uncertain Significance.

Ambry Genetics
Classification: Likely benign for Inborn genetic diseases. Last evaluated: 2022-07-26. Review status: criteria provided, single submitter. Criteria: Ambry Variant Classification Scheme 2023. Collection method: clinical testing. Allele origin: germline.